The following is an entry in ClinVar:

NM_006440.5(TXNRD2):c.544G>C (p.Asp182His)

Gene: TXNRD2 (thioredoxin reductase 2; minus strand). Cytogenetic location: 22q11.21.
Variant type: single nucleotide variant.
Coding change: c.544G>C on transcript NM_006440.5 (MANE Select); coding-DNA position 544, G replaced by C.
Protein change: p.Asp182His; replaces aspartic acid 182 with histidine.
Molecular consequence: missense variant. On other transcripts: non-coding transcript variant (1).
Genome position (GRCh38, 1-based): chr22:19,915,261, C>G on the plus strand (G>C on the coding strand, the complement: TXNRD2 is on the minus strand). VCF-style: chr22-19915261-C-G. GRCh37 (hg19) VCF-style: chr22-19902784-C-G.
Other names: c.544G>C, p.Asp182His (NM_001282512.3); c.541G>C, p.Asp181His (NM_001352300.2); c.454G>C, p.Asp152His (NM_001352301.2); c.256G>C, p.Asp86His (NM_001352302.2); c.448G>C, p.Asp150His (NM_001352303.2); short protein forms D182H, D150H, D152H, D86H, D181H.
Identifiers: ClinVar variation 1747602 (VCV001747602.2), dbSNP rs752857898, ClinGen allele CA410692510.

ClinVar aggregate classification (germline): Uncertain significance (1 of 4 stars; one submission).

Conditions:
Cardiovascular phenotype. Identifiers: MedGen CN230736.

Submission:

Ambry Genetics
Classification: Uncertain significance for Cardiovascular phenotype. Last evaluated: 2020-06-18. Review status: criteria provided, single submitter. Criteria: Ambry Variant Classification Scheme 2023. Collection method: clinical testing. Allele origin: germline.
Comment: The p.D182H variant (also known as c.544G>C), located in coding exon 7 of the TXNRD2 gene, results from a G to C substitution at nucleotide position 544. The aspartic acid at codon 182 is replaced by histidine, an amino acid with similar properties. This amino acid position is poorly conserved in available vertebrate species. In addition, this alteration is predicted to be tolerated by in silico analysis. Since supporting evidence is limited at this time, the clinical significance of this alteration remains unclear.